The following is an entry in ClinVar:

ClinVar aggregate classification (germline): Pathogenic (1 of 4 stars; one submission).

Conditions:
CTNNB1-related disorder. Also called: CTNNB1-related condition.

Submission:

Daryl Scott Lab, Baylor College of Medicine
Classification: Pathogenic for CTNNB1-related disorder. Last evaluated: 2024-01-01. Review status: criteria provided, single submitter. Criteria: ACMG Guidelines, 2015. Collection method: clinical testing. Allele origin: de novo. Affected: yes. Observed: 1 heterozygote.
Comment: PVS1, PS2, PM2

NM_001904.4(CTNNB1):c.1500_1501dup (p.Pro501fs)

Genes: CTNNB1 (catenin beta 1; plus strand), LOC126806659 (BRD4-independent group 4 enhancer GRCh37_chr3:41274918-41276117; plus strand). Cytogenetic location: 3p22.1.
Variant type: Duplication.
Coding change: c.1500_1501dup on transcript NM_001904.4 (MANE Select); coding-DNA positions 1500 to 1501, 2 bases duplicated (AC; older notation c.1500_1501dupAC).
Protein change: p.Pro501fs; shifts the reading frame from proline 501.
Molecular consequence: frameshift variant.
Genome position (GRCh38, 1-based): chr3:41,233,843-41,233,844, AC duplicated; duplicating any 2 consecutive bases within chr3:41,233,842-41,233,844 gives the same sequence; the c. name uses the placement nearest the transcript's 3' end. VCF-style (leftmost placement, unchanged base first): chr3-41233841-C-CCA. GRCh37 (hg19) VCF-style: chr3-41275332-C-CCA.
Other names: c.1500_1501dup, p.Pro501fs (NM_001098209.2, NM_001098210.2); c.1479_1480dup, p.Pro494fs (NM_001330729.2); short protein forms P494fs, P501fs.
Identifiers: ClinVar variation 3764591 (VCV003764591.1).